The following is an entry in ClinVar:

NM_015274.3(MAN2B2):c.138+1G>A

Gene: MAN2B2 (mannosidase alpha class 2B member 2; plus strand). Cytogenetic location: 4p16.1.
Variant type: single nucleotide variant.
Coding change: c.138+1G>A on transcript NM_015274.3 (MANE Select); the canonical splice donor site of the intron after coding-DNA position 138, G replaced by A.
Molecular consequence: splice donor variant.
Genome position (GRCh38, 1-based): chr4:6,575,349, G>A. VCF-style: chr4-6575349-G-A. GRCh37 (hg19) VCF-style: chr4-6577076-G-A.
Other names: c.138+1G>A (NM_001292038.2).
Identifiers: ClinVar variation 1301720 (VCV001301720.2), dbSNP rs536839038, ClinGen allele CA2840392.

ClinVar aggregate classification (germline): Uncertain significance (1 of 4 stars; one submission).

Allele frequency attached by ClinVar (database versions not stated): TOPMed below 0.00001; gnomAD 0.00001 and 0.00003; gnomAD exomes 0.00003 and 0.00004; ExAC 0.00005; 1000 Genomes Project 30x 0.00016; 1000 Genomes Project 0.00020.

Submission:

Dubai Health Genomic Medicine Center, Dubai Health
Classification: Uncertain significance. Last evaluated: 2021-03-16. Review status: criteria provided, single submitter. Criteria: ACMG Guidelines, 2015. Collection method: clinical testing. Allele origin: germline. Affected: yes.
Comment: The c.138+1G>A variant in MAN2B2 has not been previously reported in individuals with disease but was identified in 6/25654 (0.023% 0 homozygotes) in the Genome Aggregation Database (gnomAD). This variant occurs in the invariant region (+/- 1/2) of the splice consensus sequence and is predicted to cause altered splicing leading to an abnormal or absent protein. One study reported a homozygous missense variant in MAN2B2 in a patient with speech and motor delays among many other features (PMID: 31775018). However more case-level and functional data are needed to establish the association of MAN2B2 with disease. Therefore the clinical significance of the c.138+1G>A variant is still not known.